The following is an entry in ClinVar:

ClinVar aggregate classification (germline): Conflicting classifications of pathogenicity. Review status: criteria provided, conflicting classifications (1 of 4 stars). 5 submissions from 5 submitters: Uncertain significance (2); Likely benign (3). Last evaluated 2026-01-18.

Conditions:
Hereditary cancer-predisposing syndrome. Also called: Neoplastic Syndromes, Hereditary; Tumor predisposition; Hereditary Cancer Syndrome; Hereditary neoplastic syndrome. Identifiers: Orphanet 140162, MedGen C0027672, MeSH D009386, MONDO:0015356.
Colorectal cancer, susceptibility to, 12 (CRCS12). Also called: COLORECTAL CANCER, SUSCEPTIBILITY TO, ON CHROMOSOME 12q24. Identifiers: Orphanet 220460, MedGen C3554460, MONDO:0014038, OMIM 615083.

Allele frequency attached by ClinVar (database versions not stated): TOPMed below 0.00001; gnomAD exomes 0.00001 and 0.00002.

Submissions (5):

Labcorp Genetics (formerly Invitae), Labcorp
Classification: Likely benign. Last evaluated: 2026-01-18. Review status: criteria provided, single submitter. Criteria: Invitae Variant Classification Sherloc (09022015). Collection method: clinical testing. Allele origin: germline.

Center for Genomic Medicine, Rigshospitalet, Copenhagen University Hospital
Classification: Likely benign. Last evaluated: 2025-03-04. Review status: criteria provided, single submitter. Criteria: ACMG Guidelines, 2015. Collection method: clinical testing. Allele origin: germline.

St. Jude Molecular Pathology, St. Jude Children's Research Hospital
Classification: Uncertain significance for Colorectal cancer, susceptibility to, 12. Last evaluated: 2024-03-04. Review status: criteria provided, single submitter. Criteria: St. Jude Assertion Criteria 2020. Collection method: clinical testing. Allele origin: germline.
Comment: The POLE c.90G>A (p.Ser30=) synonymous change has a maximum subpopulation frequency of 0.007% in gnomAD v2.1.1. Algorithms that predict the impact of sequence changes on splicing indicate that this change may impact splicing, but to our knowledge these predictions have not been confirmed by RNA studies. The variant is not located within the exonuclease domain. To our knowledge, this variant has not been reported in the literature in individuals with POLE-related disease. In summary, the evidence currently available is insufficient to determine the clinical significance of this variant. It has therefore been classified as of uncertain significance.

GeneDx
Classification: Uncertain significance. Last evaluated: 2022-10-20. Review status: criteria provided, single submitter. Criteria: GeneDx Variant Classification Process June 2021. Collection method: clinical testing. Allele origin: germline. Affected: yes.
Comment: Not observed at significant frequency in large population cohorts (gnomAD); Has not been previously published as pathogenic or benign to our knowledge; In silico analysis suggests this variant may impact gene splicing. In the absence of RNA/functional studies, the actual effect of this sequence change is unknown.

Ambry Genetics
Classification: Likely benign for Hereditary cancer-predisposing syndrome. Last evaluated: 2015-11-02. Review status: criteria provided, single submitter. Criteria: Ambry Variant Classification Scheme 2023. Collection method: clinical testing. Allele origin: germline.

NM_006231.4(POLE):c.90G>A (p.Ser30=)

Gene: POLE (DNA polymerase epsilon, catalytic subunit; minus strand). Cytogenetic location: 12q24.33.
Variant type: single nucleotide variant.
Coding change: c.90G>A on transcript NM_006231.4 (MANE Select); coding-DNA position 90, G replaced by A.
Protein change: p.Ser30=; no amino-acid change (serine 30 retained).
Molecular consequence: synonymous variant.
Genome position (GRCh38, 1-based): chr12:132,681,252, C>T on the plus strand (G>A on the coding strand, the complement: POLE is on the minus strand). VCF-style: chr12-132681252-C-T. GRCh37 (hg19) VCF-style: chr12-133257838-C-T.
Identifiers: ClinVar variation 484438 (VCV000484438.22), dbSNP rs369224511, ClinGen allele CA246303559.